The following is an entry in ClinVar:

NM_001042492.3(NF1):c.2650_2657del (p.Glu884fs)

Gene: NF1 (neurofibromin 1; plus strand). Cytogenetic location: 17q11.2.
Variant type: Deletion.
Coding change: c.2650_2657del on transcript NM_001042492.3 (MANE Select); coding-DNA positions 2650 to 2657, 8 bases deleted (GAGGGAAA; older notation c.2650_2657delGAGGGAAA).
Protein change: p.Glu884fs; shifts the reading frame from glutamic acid 884.
Molecular consequence: frameshift variant.
Genome position (GRCh38, 1-based): chr17:31,229,265-31,229,272, GAGGGAAA deleted; deleting any 8 consecutive bases within chr17:31,229,264-31,229,272 gives the same sequence; the c. name uses the placement nearest the transcript's 3' end. VCF-style (leftmost placement, unchanged base first): chr17-31229263-CAGAGGGAA-C. GRCh37 (hg19) VCF-style: chr17-29556281-CAGAGGGAA-C.
Other names: c.2650_2657delGAGGGAAA, p.Glu884Argfs (NM_000267.4); short protein forms E884fs.
Identifiers: ClinVar variation 1414925 (VCV001414925.6), dbSNP rs2151429354, ClinGen allele CA2573153308.

ClinVar aggregate classification (germline): Pathogenic (1 of 4 stars; one submission).

Conditions:
Neurofibromatosis, type 1 (NF1). Also called: Peripheral type neurofibromatosis; Neurofibromatosis, type I; VON RECKLINGHAUSEN DISEASE; NEUROFIBROMATOSIS, TYPE I, SOMATIC. Identifiers: Orphanet 636, MedGen C0027831, MONDO:0018975, OMIM 162200. Disease mechanism: loss of function.

Submission:

Labcorp Genetics (formerly Invitae), Labcorp
Classification: Pathogenic for Neurofibromatosis, type 1. Last evaluated: 2021-09-26. Review status: criteria provided, single submitter. Criteria: Invitae Variant Classification Sherloc (09022015). Collection method: clinical testing. Allele origin: germline.
Comment: For these reasons, this variant has been classified as Pathogenic. This variant has not been reported in the literature in individuals affected with NF1-related conditions. This variant is not present in population databases (ExAC no frequency). This sequence change creates a premature translational stop signal (p.Glu884Argfs*19) in the NF1 gene. It is expected to result in an absent or disrupted protein product. Loss-of-function variants in NF1 are known to be pathogenic (PMID: 10712197, 23913538).

Literature cited by the submitters: PubMed 10712197; PubMed 23913538.